The following is an entry in ClinVar:

NM_031471.6(FERMT3):c.1828G>A (p.Asp610Asn)

Gene: FERMT3 (FERM domain containing kindlin 3; plus strand). Cytogenetic location: 11q13.1.
Variant type: single nucleotide variant.
Coding change: c.1828G>A on transcript NM_031471.6 (MANE Select); coding-DNA position 1828, G replaced by A.
Protein change: p.Asp610Asn; replaces aspartic acid 610 with asparagine.
Molecular consequence: missense variant.
Genome position (GRCh38, 1-based): chr11:64,223,328, G>A. VCF-style: chr11-64223328-G-A. GRCh37 (hg19) VCF-style: chr11-63990800-G-A.
Other names: p.Asp610Asn; c.1828G>A, p.Asp610Asn (NM_001382361.1, NM_001382448.1); c.1840G>A, p.Asp614Asn (NM_001382362.1, NM_178443.3); c.1288G>A, p.Asp430Asn (NM_001382363.1); c.1300G>A, p.Asp434Asn (NM_001382364.1); short protein forms D614N, D610N, D430N, D434N.
Identifiers: ClinVar variation 858682 (VCV000858682.8), dbSNP rs201257852, ClinGen allele CA6069305.
Genomic context (GRCh38, chr11:64,223,328, plus strand): 5'-GCTCCCTTATCCCACCCACCATTTGCCCCTCTGTCTGCCCTTCAGGTGGCCATCGAGTTT[G>A]ATGAACACATCAATGTGGCCTTCAGCTGCGTGTCTGCCAGCTGCCGAATTGTACACGAGT-3'
Protein context (NP_113659.3, residues 600-620): WDIRQVAIEF[Asp610Asn]EHINVAFSCV

ClinVar aggregate classification (germline): Uncertain significance. Review status: criteria provided, multiple submitters, no conflicts (2 of 4 stars). 3 submissions from 3 submitters: Uncertain significance (3). Last evaluated 2025-08-24.

Conditions:
Inborn genetic diseases. Identifiers: MedGen C0950123, MeSH D030342.
Leukocyte adhesion deficiency 3. Also called: INTEGRIN ACTIVATION DEFICIENCY DISEASE; LEUKOCYTE ADHESION DEFICIENCY 1 VARIANT; Leukocyte adhesion deficiency, type III. Identifiers: Orphanet 2968, Orphanet 99844, MedGen C2748536, MONDO:0013016, OMIM 612840.

Allele frequency attached by ClinVar (database versions not stated): ExAC 0.00009; gnomAD 0.00011 and 0.00013; gnomAD exomes 0.00012 and 0.00017; TOPMed 0.00018; 1000 Genomes Project 0.00020; 1000 Genomes Project 30x 0.00031.

Submissions (3):

Ambry Genetics
Classification: Uncertain significance for Inborn genetic diseases. Last evaluated: 2025-08-24. Review status: criteria provided, single submitter. Criteria: Ambry Variant Classification Scheme 2023. Collection method: clinical testing. Allele origin: germline.

Mayo Clinic Laboratories, Mayo Clinic
Classification: Uncertain significance. Last evaluated: 2024-05-23. Review status: criteria provided, single submitter. Criteria: ACMG Guidelines, 2015. Collection method: clinical testing. Allele origin: germline. Observed: 1 variant allele.
Comment: BP4, PM1

Labcorp Genetics (formerly Invitae), Labcorp
Classification: Uncertain significance for Leukocyte adhesion deficiency 3. Last evaluated: 2024-01-06. Review status: criteria provided, single submitter. Criteria: Invitae Variant Classification Sherloc (09022015). Collection method: clinical testing. Allele origin: germline.
Comment: This sequence change replaces aspartic acid, which is acidic and polar, with asparagine, which is neutral and polar, at codon 610 of the FERMT3 protein (p.Asp610Asn). This variant is present in population databases (rs201257852, gnomAD 0.05%). This variant has not been reported in the literature in individuals affected with FERMT3-related conditions. ClinVar contains an entry for this variant (Variation ID: 858682). Advanced modeling of protein sequence and biophysical properties (such as structural, functional, and spatial information, amino acid conservation, physicochemical variation, residue mobility, and thermodynamic stability) performed at Invitae indicates that this missense variant is not expected to disrupt FERMT3 protein function with a negative predictive value of 80%. In summary, the available evidence is currently insufficient to determine the role of this variant in disease. Therefore, it has been classified as a Variant of Uncertain Significance.